The following is an entry in ClinVar:

ClinVar aggregate classification (germline): Likely benign (1 of 4 stars; one submission).

gnomAD v4.1: 50 of 1,614,216 alleles (0.0031%); highest among the groups gnomAD compares: African/African-American, 0.048%; no homozygotes.

Submission:

CeGaT Center for Human Genetics Tuebingen
Classification: Likely benign. Last evaluated: 2025-03-01. Review status: criteria provided, single submitter. Criteria: CeGaT Center For Human Genetics Tuebingen Variant Classification Criteria Version 2. Collection method: clinical testing. Allele origin: germline. Affected: yes. Observed: 1 variant allele.
Comment: SPTBN1: BP4, BP7

NM_003128.3(SPTBN1):c.6075C>T (p.Asp2025=)

Gene: SPTBN1 (spectrin beta, non-erythrocytic 1; plus strand). Cytogenetic location: 2p16.2.
Variant type: single nucleotide variant.
Coding change: c.6075C>T on transcript NM_003128.3 (MANE Select); coding-DNA position 6075, C replaced by T.
Protein change: p.Asp2025=; no amino-acid change (aspartic acid 2025 retained).
Molecular consequence: synonymous variant.
Genome position (GRCh38, 1-based): chr2:54,657,878, C>T. VCF-style: chr2-54657878-C-T. GRCh37 (hg19) VCF-style: chr2-54885015-C-T.
Other names: c.6036C>T, p.Asp2012= (NM_178313.3).
Identifiers: ClinVar variation 3777902 (VCV003777902.7).